The following is an entry in ClinVar:

ClinVar aggregate classification (germline): Uncertain significance (1 of 4 stars; one submission).

gnomAD v4.1: 2 of 1,614,042 alleles (0.00012%); highest among the groups gnomAD compares: Non-Finnish European, 0.00017%; no homozygotes.

Submission:

Labcorp Genetics (formerly Invitae), Labcorp
Classification: Uncertain significance. Last evaluated: 2022-09-06. Review status: criteria provided, single submitter. Criteria: Invitae Variant Classification Sherloc (09022015). Collection method: clinical testing. Allele origin: germline.
Comment: This variant has not been reported in the literature in individuals affected with DNAH9-related conditions. In summary, the available evidence is currently insufficient to determine the role of this variant in disease. Therefore, it has been classified as a Variant of Uncertain Significance. Algorithms developed to predict the effect of missense changes on protein structure and function (SIFT, PolyPhen-2, Align-GVGD) all suggest that this variant is likely to be tolerated. This variant is not present in population databases (gnomAD no frequency). This sequence change replaces glutamic acid, which is acidic and polar, with aspartic acid, which is acidic and polar, at codon 3503 of the DNAH9 protein (p.Glu3503Asp).

NM_001372.4(DNAH9):c.10509A>C (p.Glu3503Asp)

Genes: DNAH9 (dynein axonemal heavy chain 9; plus strand), LOC101928350 (uncharacterized LOC101928350; minus strand). Cytogenetic location: 17p12.
Variant type: single nucleotide variant.
Coding change: c.10509A>C on transcript NM_001372.4 (MANE Select); coding-DNA position 10509, A replaced by C.
Protein change: p.Glu3503Asp; replaces glutamic acid 3503 with aspartic acid.
Molecular consequence: missense variant.
Genome position (GRCh38, 1-based): chr17:11,880,108, A>C. VCF-style: chr17-11880108-A-C. GRCh37 (hg19) VCF-style: chr17-11783425-A-C.
Other names: short protein forms E3503D.
Identifiers: ClinVar variation 1943027 (VCV001943027.5), dbSNP rs781673375, ClinGen allele CA398197608.